The following is an entry in ClinVar:

NM_006904.7(PRKDC):c.7138A>G (p.Asn2380Asp)

Gene: PRKDC (protein kinase, DNA-activated, catalytic subunit; minus strand). Cytogenetic location: 8q11.21.
Variant type: single nucleotide variant.
Coding change: c.7138A>G on transcript NM_006904.7 (MANE Select); coding-DNA position 7138, A replaced by G.
Protein change: p.Asn2380Asp; replaces asparagine 2380 with aspartic acid.
Molecular consequence: missense variant.
Genome position (GRCh38, 1-based): chr8:47,849,296, T>C on the plus strand (A>G on the coding strand, the complement: PRKDC is on the minus strand). VCF-style: chr8-47849296-T-C. GRCh37 (hg19) VCF-style: chr8-48761857-T-C.
Other names: c.7138A>G, p.Asn2380Asp (NM_001081640.2); short protein forms N2380D.
Identifiers: ClinVar variation 3310084 (VCV003310084.1).

ClinVar aggregate classification (germline): Uncertain significance (1 of 4 stars; one submission).

Submission:

Ambry Genetics
Classification: Uncertain significance. Last evaluated: 2024-03-20. Review status: criteria provided, single submitter. Criteria: Ambry Variant Classification Scheme 2023. Collection method: clinical testing. Allele origin: germline.
Comment: The p.N2380D variant (also known as c.7138A>G), located in coding exon 54 of the PRKDC gene, results from an A to G substitution at nucleotide position 7138. The asparagine at codon 2380 is replaced by aspartic acid, an amino acid with highly similar properties. This amino acid position is conserved. In addition, this alteration is predicted to be tolerated by in silico analysis. Based on the available evidence, the clinical significance of this alteration remains unclear.